The following is an entry in ClinVar:

ClinVar aggregate classification (germline): Uncertain significance (1 of 4 stars; one submission).

Allele frequency attached by ClinVar (database versions not stated): ExAC 0.00001; gnomAD 0.00001; TOPMed 0.00001; ESP Exome Variant Server 0.00008.
gnomAD v4.1: 5 of 1,562,658 alleles (0.00032%); highest among the groups gnomAD compares: African/African-American, 0.0027%; no homozygotes.

Submission:

Labcorp Genetics (formerly Invitae), Labcorp
Classification: Uncertain significance. Last evaluated: 2023-07-17. Review status: criteria provided, single submitter. Criteria: Invitae Variant Classification Sherloc (09022015). Collection method: clinical testing. Allele origin: germline.
Comment: In summary, the available evidence is currently insufficient to determine the role of this variant in disease. Therefore, it has been classified as a Variant of Uncertain Significance. Variants that disrupt the consensus splice site are a relatively common cause of aberrant splicing (PMID: 17576681, 9536098). Algorithms developed to predict the effect of sequence changes on RNA splicing suggest that this variant may disrupt the consensus splice site. ClinVar contains an entry for this variant (Variation ID: 2127485). This variant has not been reported in the literature in individuals affected with IL6ST-related conditions. This variant is present in population databases (rs373846785, gnomAD 0.007%). This sequence change affects codon 673 of the IL6ST mRNA. It is a 'silent' change, meaning that it does not change the encoded amino acid sequence of the IL6ST protein. This variant also falls at the last nucleotide of exon 16, which is part of the consensus splice site for this exon.

Literature cited by the submitters: PubMed 17576681; PubMed 9536098.

NM_002184.4(IL6ST):c.2019G>A (p.Arg673=)

Gene: IL6ST (interleukin 6 cytokine family signal transducer; minus strand). Cytogenetic location: 5q11.2.
Variant type: single nucleotide variant.
Coding change: c.2019G>A on transcript NM_002184.4 (MANE Select); coding-DNA position 2019, G replaced by A.
Protein change: p.Arg673=; no amino-acid change (arginine 673 retained).
Molecular consequence: synonymous variant. On other transcripts: 3 prime UTR variant (1), non-coding transcript variant (2).
Genome position (GRCh38, 1-based): chr5:55,942,670, C>T on the plus strand (G>A on the coding strand, the complement: IL6ST is on the minus strand). VCF-style: chr5-55942670-C-T. GRCh37 (hg19) VCF-style: chr5-55238498-C-T.
Other names: c.1836G>A, p.Arg612= (NM_001190981.2); c.1917G>A, p.Arg639= (NM_001364275.2); c.1809G>A, p.Arg603= (NM_001364276.2); c.1152G>A, p.Arg384= (NM_001364277.2); c.1116G>A, p.Arg372= (NM_001364278.2); c.1023G>A, p.Arg341= (NM_001364279.2); c.*946G>A (NM_175767.3).
Identifiers: ClinVar variation 2127485 (VCV002127485.4), dbSNP rs373846785, ClinGen allele CA3271235.